The following is an entry in ClinVar:

ClinVar aggregate classification (germline): Pathogenic (1 of 4 stars; one submission).

Submission:

Labcorp Genetics (formerly Invitae), Labcorp
Classification: Pathogenic. Last evaluated: 2022-05-03. Review status: criteria provided, single submitter. Criteria: Invitae Variant Classification Sherloc (09022015). Collection method: clinical testing. Allele origin: germline.
Comment: For these reasons, this variant has been classified as Pathogenic. This variant has not been reported in the literature in individuals affected with MARVELD2-related conditions. A gross deletion of the genomic region encompassing the full coding sequence of the MARVELD2 gene has been identified. Loss-of-function variants in MARVELD2 are known to be pathogenic (PMID: 17186462). The boundaries of this event are unknown as they extend beyond the assayed region for this gene and therefore may encompass additional genes.

Literature cited by the submitters: PubMed 17186462.

NC_000005.9:g.(?_68715213)_(68737481_?)del

Gene: MARVELD2 (MARVEL domain containing 2; plus strand). Cytogenetic location: 5q13.2.
Variant type: Deletion.
Identifiers: ClinVar variation 2423538 (VCV002423538.3).